The following is an entry in ClinVar:

ClinVar aggregate classification (germline): Uncertain significance (1 of 4 stars; one submission).

Allele frequency attached by ClinVar (database versions not stated): gnomAD exomes below 0.00001; ExAC 0.00001; gnomAD 0.00005; TOPMed 0.00005.
gnomAD v4.1: 12 of 1,613,834 alleles (0.00074%); highest among the groups gnomAD compares: African/African-American, 0.013%; no homozygotes.

Submission:

Ambry Genetics
Classification: Uncertain significance. Last evaluated: 2023-03-03. Review status: criteria provided, single submitter. Criteria: Ambry Variant Classification Scheme 2023. Collection method: clinical testing. Allele origin: germline.
Comment: The p.H714Y variant (also known as c.2140C>T), located in coding exon 13 of the NPAT gene, results from a C to T substitution at nucleotide position 2140. The histidine at codon 714 is replaced by tyrosine, an amino acid with similar properties. This amino acid position is conserved. In addition, this alteration is predicted to be tolerated by in silico analysis. Since supporting evidence is limited at this time, the clinical significance of this alteration remains unclear.

NM_002519.3(NPAT):c.2140C>T (p.His714Tyr)

Gene: NPAT (nuclear protein, coactivator of histone transcription; minus strand). Cytogenetic location: 11q22.3.
Variant type: single nucleotide variant.
Coding change: c.2140C>T on transcript NM_002519.3 (MANE Select); coding-DNA position 2140, C replaced by T.
Protein change: p.His714Tyr; replaces histidine 714 with tyrosine.
Molecular consequence: missense variant.
Genome position (GRCh38, 1-based): chr11:108,172,844, G>A on the plus strand (C>T on the coding strand, the complement: NPAT is on the minus strand). VCF-style: chr11-108172844-G-A. GRCh37 (hg19) VCF-style: chr11-108043571-G-A.
Other names: c.2140C>T, p.His714Tyr (NM_001321307.1); short protein forms H714Y.
Identifiers: ClinVar variation 2496679 (VCV002496679.2), dbSNP rs779997340, ClinGen allele CA6263874.